The following is an entry in ClinVar:

NM_025137.4(SPG11):c.79C>T (p.Pro27Ser)

Gene: SPG11 (SPG11 vesicle trafficking associated, spatacsin; minus strand). Cytogenetic location: 15q21.1.
Variant type: single nucleotide variant.
Coding change: c.79C>T on transcript NM_025137.4 (MANE Select); coding-DNA position 79, C replaced by T.
Protein change: p.Pro27Ser; replaces proline 27 with serine.
Molecular consequence: missense variant.
Genome position (GRCh38, 1-based): chr15:44,663,569, G>A on the plus strand (C>T on the coding strand, the complement: SPG11 is on the minus strand). VCF-style: chr15-44663569-G-A. GRCh37 (hg19) VCF-style: chr15-44955767-G-A.
Other names: c.79C>T, p.Pro27Ser (NM_001160227.2); short protein forms P27S.
Identifiers: ClinVar variation 807235 (VCV000807235.47), dbSNP rs777798718, ClinGen allele CA7535953.

ClinVar aggregate classification (germline): Uncertain significance. Review status: criteria provided, multiple submitters, no conflicts (2 of 4 stars). 5 submissions from 3 submitters: Uncertain significance (5). Last evaluated 2022-01-03.

Conditions:
Hereditary spastic paraplegia 11. Also called: Spastic paraplegia, mental retardation and thin corpus callosum; SPASTIC PARAPLEGIA, AUTOSOMAL RECESSIVE, COMPLICATED, WITH THIN CORPUS CALLOSUM; SPASTIC PARAPLEGIA, AUTOSOMAL RECESSIVE, WITH MENTAL IMPAIRMENT AND THIN CORPUS CALLOSUM; Spastic Paraplegia 11; Nakamura Osame syndrome; Autosomal recessive hereditary spastic paraplegia, mental impairment, and thin corpus callosum. Identifiers: Orphanet 2822, MedGen C1858479, MONDO:0011445, OMIM 604360.
Charcot-Marie-Tooth disease axonal type 2X. Also called: CHARCOT-MARIE-TOOTH DISEASE, AXONAL, AUTOSOMAL RECESSIVE, TYPE 2X; CHARCOT-MARIE-TOOTH NEUROPATHY, TYPE 2X. Identifiers: Orphanet 466775, MedGen C5569024, MONDO:0014726, OMIM 616668.
Amyotrophic lateral sclerosis type 5 (ALS5). Also called: AMYOTROPHIC LATERAL SCLEROSIS 5, JUVENILE. Identifiers: Orphanet 300605, MedGen C1865864, MONDO:0011196, OMIM 602099.

Allele frequency attached by ClinVar (database versions not stated): gnomAD exomes 0.00001; ExAC 0.00002.
gnomAD v4.1: 10 of 1,596,976 alleles (0.00063%); highest among the groups gnomAD compares: Non-Finnish European, 0.00043%; no homozygotes.

Submissions (5):

Labcorp Genetics (formerly Invitae), Labcorp
Classification: Uncertain significance for Hereditary spastic paraplegia 11. Last evaluated: 2022-01-03. Review status: criteria provided, single submitter. Criteria: Invitae Variant Classification Sherloc (09022015). Collection method: clinical testing. Allele origin: germline.
Comment: This sequence change replaces proline, which is neutral and non-polar, with serine, which is neutral and polar, at codon 27 of the SPG11 protein (p.Pro27Ser). The frequency data for this variant in the population databases is considered unreliable, as metrics indicate poor data quality at this position in the gnomAD database. This variant has not been reported in the literature in individuals affected with SPG11-related conditions. ClinVar contains an entry for this variant (Variation ID: 807235). Algorithms developed to predict the effect of missense changes on protein structure and function output the following: SIFT: "Tolerated"; PolyPhen-2: "Benign"; Align-GVGD: "Class C0". The serine amino acid residue is found in multiple mammalian species, which suggests that this missense change does not adversely affect protein function. In summary, the available evidence is currently insufficient to determine the role of this variant in disease. Therefore, it has been classified as a Variant of Uncertain Significance.

CeGaT Center for Human Genetics Tuebingen
Classification: Uncertain significance. Last evaluated: 2016-12-01. Review status: criteria provided, single submitter. Criteria: CeGaT Center For Human Genetics Tuebingen Variant Classification Criteria Version 2. Collection method: clinical testing. Allele origin: germline. Affected: yes. Observed: 1 variant allele.

Genome-Nilou Lab
Classification: Uncertain significance for Amyotrophic lateral sclerosis type 5. Review status: criteria provided, single submitter. Criteria: ACMG Guidelines, 2015. Collection method: clinical testing. Allele origin: germline.

Genome-Nilou Lab
Classification: Uncertain significance for Charcot-Marie-Tooth disease axonal type 2X. Review status: criteria provided, single submitter. Criteria: ACMG Guidelines, 2015. Collection method: clinical testing. Allele origin: germline.

Genome-Nilou Lab
Classification: Uncertain significance for Hereditary spastic paraplegia 11. Review status: criteria provided, single submitter. Criteria: ACMG Guidelines, 2015. Collection method: clinical testing. Allele origin: germline.